The following is an entry in ClinVar:

NM_001164508.2(NEB):c.3758C>A (p.Thr1253Lys)

Gene: NEB (nebulin; minus strand). Cytogenetic location: 2q23.3.
Variant type: single nucleotide variant.
Coding change: c.3758C>A on transcript NM_001164508.2 (MANE Select); coding-DNA position 3758, C replaced by A.
Protein change: p.Thr1253Lys; replaces threonine 1253 with lysine.
Molecular consequence: missense variant.
Genome position (GRCh38, 1-based): chr2:151,677,581, G>T on the plus strand (C>A on the coding strand, the complement: NEB is on the minus strand). VCF-style: chr2-151677581-G-T. GRCh37 (hg19) VCF-style: chr2-152534095-G-T.
Other names: c.3758C>A, p.Thr1253Lys (NM_001164507.2, NM_001271208.2, NM_004543.5); short protein forms T1253K.
Identifiers: ClinVar variation 3366596 (VCV003366596.1).

ClinVar aggregate classification (germline): Uncertain significance (1 of 4 stars; one submission).

Submission:

Women's Health and Genetics/Laboratory Corporation of America, LabCorp
Classification: Uncertain significance. Last evaluated: 2024-08-26. Review status: criteria provided, single submitter. Criteria: LabCorp Variant Classification Summary - May 2015. Collection method: clinical testing. Allele origin: germline.
Comment: Variant summary: NEB c.3758C>A (p.Thr1253Lys) results in a non-conservative amino acid change in the encoded protein sequence. Four of five in-silico tools predict a damaging effect of the variant on protein function. The variant allele was found at a frequency of 8e-06 in 248828 control chromosomes. The available data on variant occurrences in the general population are insufficient to allow any conclusion about variant significance. c.3758C>A has been reported in the literature in at least one compound heterozygous individual affected with Nemaline Myopathy 2 (e.g., Yin_2022). These data do not allow any conclusion about variant significance. To our knowledge, no experimental evidence demonstrating an impact on protein function has been reported. The following publication has been ascertained in the context of this evaluation (PMID: 33742414). No submitters have cited clinical-significance assessments for this variant to ClinVar. Based on the evidence outlined above, the variant was classified as uncertain significance.

Literature cited by the submitters: PubMed 33742414.